The following is an entry in ClinVar:

ClinVar aggregate classification (germline): Uncertain significance (1 of 4 stars; one submission).

Conditions:
Hereditary cancer-predisposing syndrome. Also called: Neoplastic Syndromes, Hereditary; Tumor predisposition; Hereditary Cancer Syndrome; Hereditary neoplastic syndrome. Identifiers: Orphanet 140162, MedGen C0027672, MeSH D009386, MONDO:0015356.

Submission:

Ambry Genetics
Classification: Uncertain significance for Hereditary cancer-predisposing syndrome. Last evaluated: 2026-04-22. Review status: criteria provided, single submitter. Criteria: Ambry Variant Classification Scheme 2023. Collection method: clinical testing. Allele origin: germline.
Comment: The p.A415E variant (also known as c.1244C>A), located in coding exon 11 of the TSC2 gene, results from a C to A substitution at nucleotide position 1244. The alanine at codon 415 is replaced by glutamic acid, an amino acid with dissimilar properties. This amino acid position is conserved. In addition, this alteration is predicted to be deleterious by in silico analysis. Based on the available evidence, the clinical significance of this variant remains unclear.

NM_000548.5(TSC2):c.1244C>A (p.Ala415Glu)

Gene: TSC2 (TSC complex subunit 2; plus strand). Cytogenetic location: 16p13.3.
Variant type: single nucleotide variant.
Coding change: c.1244C>A on transcript NM_000548.5 (MANE Select); coding-DNA position 1244, C replaced by A.
Protein change: p.Ala415Glu; replaces alanine 415 with glutamic acid.
Molecular consequence: missense variant. On other transcripts: 5 prime UTR variant (10), non-coding transcript variant (5).
Genome position (GRCh38, 1-based): chr16:2,061,995, C>A. VCF-style: chr16-2061995-C-A. GRCh37 (hg19) VCF-style: chr16-2111996-C-A.
Other names: c.1244C>A, p.Ala415Glu (NM_001363528.2, NM_001370404.1, NM_001370405.1 and 6 more transcripts); c.1334C>A, p.Ala445Glu (NM_001406667.1, NM_001406668.1); c.1133C>A, p.Ala378Glu (NM_001406670.1, NM_001318827.2, NM_001406678.1); c.644C>A, p.Ala215Glu (NM_001406683.1, NM_001406684.1, NM_001406685.1 and 6 more transcripts); c.-101C>A (NM_001406689.1, NM_001406690.1, NM_001406691.1 and 4 more transcripts); c.-69C>A (NM_001406694.1, NM_001406695.1); c.-277C>A (NM_001406698.1); c.1097C>A, p.Ala366Glu (NM_001318829.2, NM_001406675.1, NM_001406676.1 and 1 more transcripts); and 4 more; short protein forms A215E, A261E, A366E, A378E, A396E, A411E, A415E, A426E.
Identifiers: ClinVar variation 4866096 (VCV004866096.1).
Genomic context (GRCh38, chr16:2,061,995, plus strand): 5'-GTGACCAGAACGAGTTCCACGGGTCTCAGGAGAGATACTTTGAACTGGTGGAGAGATGTG[C>A]GGACCAGAGGCCTGTGAGACCCCCTCCTGGGTGGGGCCTTTGGGCTTTGGCTGGTGGGGA-3'
Protein context (NP_000539.2, residues 405-425): ERYFELVERC[Ala415Glu]DQRPESSLLN